The following is an entry in ClinVar:

NM_002386.4(MC1R):c.358A>G (p.Ile120Val)

Gene: MC1R (melanocortin 1 receptor; plus strand). Cytogenetic location: 16q24.3.
Variant type: single nucleotide variant.
Coding change: c.358A>G on transcript NM_002386.4 (MANE Select); coding-DNA position 358, A replaced by G.
Protein change: p.Ile120Val; replaces isoleucine 120 with valine.
Molecular consequence: missense variant.
Genome position (GRCh38, 1-based): chr16:89,919,616, A>G. VCF-style: chr16-89919616-A-G. GRCh37 (hg19) VCF-style: chr16-89986024-A-G.
Other names: short protein forms I120V.
Identifiers: ClinVar variation 4052432 (VCV004052432.1).

ClinVar aggregate classification (germline): Uncertain significance (1 of 4 stars; one submission).

Submission:

Ambry Genetics
Classification: Uncertain significance. Last evaluated: 2025-05-15. Review status: criteria provided, single submitter. Criteria: Ambry Variant Classification Scheme 2023. Collection method: clinical testing. Allele origin: germline.
Comment: The p.I120V variant (also known as c.358A>G), located in coding exon 1 of the MC1R gene, results from an A to G substitution at nucleotide position 358. The isoleucine at codon 120 is replaced by valine, an amino acid with highly similar properties. This amino acid position is conserved. In addition, this alteration is predicted to be tolerated by in silico analysis. Based on the available evidence, the clinical significance of this variant remains unclear.